The following is an entry in ClinVar:

ClinVar aggregate classification (germline): Conflicting classifications of pathogenicity. Review status: criteria provided, conflicting classifications (1 of 4 stars). 2 submissions from 2 submitters: Uncertain significance (1); Likely benign (1). Last evaluated 2026-04-21.

Conditions:
Cardiovascular phenotype. Identifiers: MedGen CN230736.
Catecholaminergic polymorphic ventricular tachycardia 1. Also called: RYR2-Related Catecholaminergic Polymorphic Ventricular Tachycardia; VENTRICULAR TACHYCARDIA, CATECHOLAMINERGIC POLYMORPHIC, 1, WITH OR WITHOUT ATRIAL DYSFUNCTION AND/OR DILATED CARDIOMYOPATHY; VENTRICULAR TACHYCARDIA, STRESS-INDUCED POLYMORPHIC 1. Identifiers: Orphanet 3286, MedGen C1631597, MONDO:0011484, OMIM 604772.

Allele frequency attached by ClinVar (database versions not stated): gnomAD exomes below 0.00001.
gnomAD v4.1: 1 of 1,593,558 alleles (0.000063%); highest among the groups gnomAD compares: Non-Finnish European, 0.000086%; no homozygotes.

Submissions (2):

Ambry Genetics
Classification: Uncertain significance for Cardiovascular phenotype. Last evaluated: 2026-04-21. Review status: criteria provided, single submitter. Criteria: Ambry Variant Classification Scheme 2023. Collection method: clinical testing. Allele origin: germline.
Comment: The c.3864G>A variant (also known as p.K1288K), located in coding exon 31 of the RYR2 gene, results from a G to A substitution at nucleotide position 3864. This nucleotide substitution does not change the amino acid at codon 1288. This nucleotide position is highly conserved in available vertebrate species. In silico splice site analysis for this alteration is inconclusive. Based on the available evidence, the clinical significance of this variant remains unclear.

Labcorp Genetics (formerly Invitae), Labcorp
Classification: Likely benign for Catecholaminergic polymorphic ventricular tachycardia 1. Last evaluated: 2023-04-09. Review status: criteria provided, single submitter. Criteria: Invitae Variant Classification Sherloc (09022015). Collection method: clinical testing. Allele origin: germline.

NM_001035.3(RYR2):c.3864G>A (p.Lys1288=)

Genes: RYR2 (ryanodine receptor 2; plus strand), LOC126806067 (BRD4-independent group 4 enhancer GRCh37_chr1:237753258-237754457; plus strand). Cytogenetic location: 1q43.
Variant type: single nucleotide variant.
Coding change: c.3864G>A on transcript NM_001035.3 (MANE Select); coding-DNA position 3864, G replaced by A.
Protein change: p.Lys1288=; no amino-acid change (lysine 1288 retained).
Molecular consequence: synonymous variant.
Genome position (GRCh38, 1-based): chr1:237,590,696, G>A. VCF-style: chr1-237590696-G-A. GRCh37 (hg19) VCF-style: chr1-237753996-G-A.
Other names: c.3864G>A (NM_001035.2).
Identifiers: ClinVar variation 2854123 (VCV002854123.4), dbSNP rs2546613679, ClinGen allele CA424030641.